The following is an entry in ClinVar:

ClinVar aggregate classification (germline): Uncertain significance (1 of 4 stars; one submission).

Conditions:
Charcot-Marie-Tooth disease axonal type 2Z. Also called: CHARCOT-MARIE-TOOTH DISEASE, AXONAL, AUTOSOMAL DOMINANT, TYPE 2Z; CHARCOT-MARIE-TOOTH NEUROPATHY, TYPE 2Z. Identifiers: Orphanet 466768, MedGen C5569025, MONDO:0014736, OMIM 616688.

Submission:

Labcorp Genetics (formerly Invitae), Labcorp
Classification: Uncertain significance for Charcot-Marie-Tooth disease axonal type 2Z. Last evaluated: 2025-03-03. Review status: criteria provided, single submitter. Criteria: Invitae Variant Classification Sherloc (09022015). Collection method: clinical testing. Allele origin: germline.
Comment: This sequence change replaces lysine, which is basic and polar, with arginine, which is basic and polar, at codon 756 of the MORC2 protein (p.Lys756Arg). This variant is not present in population databases (gnomAD no frequency). This variant has not been reported in the literature in individuals affected with MORC2-related conditions. Invitae Evidence Modeling of protein sequence and biophysical properties (such as structural, functional, and spatial information, amino acid conservation, physicochemical variation, residue mobility, and thermodynamic stability) indicates that this missense variant is not expected to disrupt MORC2 protein function with a negative predictive value of 95%. In summary, the available evidence is currently insufficient to determine the role of this variant in disease. Therefore, it has been classified as a Variant of Uncertain Significance.

NM_001303256.3(MORC2):c.2267A>G (p.Lys756Arg)

Gene: MORC2 (MORC family CW-type zinc finger 2; minus strand). Cytogenetic location: 22q12.2.
Variant type: single nucleotide variant.
Coding change: c.2267A>G on transcript NM_001303256.3 (MANE Select); coding-DNA position 2267, A replaced by G.
Protein change: p.Lys756Arg; replaces lysine 756 with arginine.
Molecular consequence: missense variant.
Genome position (GRCh38, 1-based): chr22:30,934,118, T>C on the plus strand (A>G on the coding strand, the complement: MORC2 is on the minus strand). VCF-style: chr22-30934118-T-C. GRCh37 (hg19) VCF-style: chr22-31330105-T-C.
Other names: c.2267A>G, p.Lys756Arg (NM_001303257.2); c.2081A>G, p.Lys694Arg (NM_014941.3); short protein forms K694R, K756R.
Identifiers: ClinVar variation 3683441 (VCV003683441.2).
Genomic context (GRCh38, chr22:30,934,118, plus strand): 5'-ACCTCATTCGAGTCCTTCTTTTCCTCCTTCACAACAAATCTGCCCCGCTTGCACCTCTCC[T>C]TCCTCCTCTCAGCTTCCTCCTCAACTTCTTCCTCATCAGAAACTGCGACACTCCGCTTCC-3'
Protein context (NP_001290185.1, residues 746-766): EEVEEEAERR[Lys756Arg]ERCKRGRFVV